The following is an entry in ClinVar:

NM_006206.6(PDGFRA):c.229A>G (p.Asn77Asp)

Gene: PDGFRA (platelet derived growth factor receptor alpha; plus strand). Cytogenetic location: 4q12.
Variant type: single nucleotide variant.
Coding change: c.229A>G on transcript NM_006206.6 (MANE Select); coding-DNA position 229, A replaced by G.
Protein change: p.Asn77Asp; replaces asparagine 77 with aspartic acid.
Molecular consequence: missense variant.
Genome position (GRCh38, 1-based): chr4:54,261,274, A>G. VCF-style: chr4-54261274-A-G. GRCh37 (hg19) VCF-style: chr4-55127441-A-G.
Other names: c.229A>G, p.Asn77Asp (NM_001347827.2, NM_001347829.2); c.304A>G, p.Asn102Asp (NM_001347828.2); c.268A>G, p.Asn90Asp (NM_001347830.2); short protein forms N77D, N90D, N102D.
Identifiers: ClinVar variation 2850040 (VCV002850040.4), dbSNP rs2475422558, ClinGen allele CA356888563.
Genomic context (GRCh38, chr4:54,261,274, plus strand): 5'-TGGCAGTACCCCATGTCTGAAGAAGAGAGCTCCGATGTGGAAATCAGAAATGAAGAAAAC[A>G]ACAGCGGCCTTTTTGTGACGGTCTTGGAAGTGAGCAGTGCCTCGGCGGCCCACACAGGGT-3'
Protein context (NP_006197.1, residues 67-87): SDVEIRNEEN[Asn77Asp]SGLFVTVLEV

ClinVar aggregate classification (germline): Uncertain significance. Review status: criteria provided, multiple submitters, no conflicts (2 of 4 stars). 2 submissions from 2 submitters: Uncertain significance (2). Last evaluated 2024-03-19.

Conditions:
Gastrointestinal stromal tumor. Also called: Gastrointestinal stromal tumor, somatic; Gastrointestinal stroma tumor. Identifiers: Orphanet 44890, MedGen C0238198, MeSH D046152, MONDO:0011719, OMIM 606764, HP:0100723.
Hereditary cancer-predisposing syndrome. Also called: Neoplastic Syndromes, Hereditary; Tumor predisposition; Hereditary Cancer Syndrome; Hereditary neoplastic syndrome. Identifiers: Orphanet 140162, MedGen C0027672, MeSH D009386, MONDO:0015356.

Submissions (2):

Ambry Genetics
Classification: Uncertain significance for Hereditary cancer-predisposing syndrome. Last evaluated: 2024-03-19. Review status: criteria provided, single submitter. Criteria: Ambry Variant Classification Scheme 2023. Collection method: clinical testing. Allele origin: germline.
Comment: The p.N77D variant (also known as c.229A>G), located in coding exon 2 of the PDGFRA gene, results from an A to G substitution at nucleotide position 229. The asparagine at codon 77 is replaced by aspartic acid, an amino acid with highly similar properties. This amino acid position is conserved. In addition, this alteration is predicted to be tolerated by in silico analysis. Based on the available evidence, the clinical significance of this alteration remains unclear.

Labcorp Genetics (formerly Invitae), Labcorp
Classification: Uncertain significance for Gastrointestinal stromal tumor. Last evaluated: 2023-04-03. Review status: criteria provided, single submitter. Criteria: Invitae Variant Classification Sherloc (09022015). Collection method: clinical testing. Allele origin: germline.
Comment: In summary, the available evidence is currently insufficient to determine the role of this variant in disease. Therefore, it has been classified as a Variant of Uncertain Significance. Advanced modeling of protein sequence and biophysical properties (such as structural, functional, and spatial information, amino acid conservation, physicochemical variation, residue mobility, and thermodynamic stability) performed at Invitae indicates that this missense variant is not expected to disrupt PDGFRA protein function. This variant has not been reported in the literature in individuals affected with PDGFRA-related conditions. This variant is not present in population databases (gnomAD no frequency). This sequence change replaces asparagine, which is neutral and polar, with aspartic acid, which is acidic and polar, at codon 77 of the PDGFRA protein (p.Asn77Asp).